The following continues an entry in ClinVar:

NM_000540.3(RYR1):c.14918C>T (p.Pro4973Leu)

Gene: RYR1. ClinVar aggregate classification (germline): Pathogenic/Likely pathogenic. Pathogenic (1); Likely pathogenic (1).

Submissions 6 to 16 of 25:

Color Diagnostics, LLC DBA Color Health
Classification: Likely pathogenic for Malignant hyperthermia, susceptibility to, 1. Last evaluated: 2025-06-04. Review status: criteria provided, single submitter. Criteria: ACMG Guidelines, 2015. Collection method: clinical testing. Allele origin: germline. Not counted in ClinVar's aggregate classification.
Comment: This missense variant replaces proline with leucine at codon 4973 of the RYR1 protein. Computational prediction suggests that this variant may have deleterious impact on protein structure and function. Functional studies in HEK293 cells have shown that this variant reduces the threshold for store overload-induced Ca2+ release after exposure to caffeine, compared to cells expressing wild-type RYR1 (PMID: 28687594). This variant has been reported in 7 families and individuals affected with malignant hyperthermia susceptibility (PMID: 12208234, 12411788, 12411788, 16163667, 23558838, 30236257, 34904211, 37787745). It has been shown that this variant segregates with malignant hyperthermia susceptibility in two families (PMID: 12208234, 12411788). This variant has been identified in 7/251392 chromosomes in the general population by the Genome Aggregation Database (gnomAD). Based on the available evidence, this variant is classified as Likely Pathogenic.

All of Us Research Program, National Institutes of Health
Classification: Likely pathogenic for Malignant hyperthermia, susceptibility to, 1. Last evaluated: 2024-08-01. Review status: criteria provided, single submitter. Criteria: ACMG Guidelines, 2015. Collection method: clinical testing. Allele origin: germline. Inheritance: Autosomal dominant inheritance. Observed: 4 variant alleles, 4 heterozygotes. Not counted in ClinVar's aggregate classification.
Comment: The c.14918C>T (p.Pro4973Leu) variant, located on the exon 104 of the RYR1 gene, replaces proline with leucine at codon 4973 of the RYR1 protein. This variant has been observed in seven individuals with personal or family histories of a malignant hyperthermia reaction, positive in vitro contracture test (IVCT) or caffeine halothane contracture test (CHCT) (PMID: 12411788, 30236257, 16163667, 20681998). This variant segregates with malignant hyperthermia syndrome (MHS) in three families (PMID:12411788, 30236257). This missense variant is located in a mutational hotspot region that contributes to MHS (PMID: 21118704). A functional study demonstrates that this variant reduces the threshold for store overload-induced calcium release (PMID: 28687594). Computational prediction (REVEL score >0.85) suggests that this variant may have deleterious impact on protein structure and function. This variant has also been classified as likely pathogenic by the expert review panel in ClinVar (ID: 133098). This variant is rare in the general population database, gnomAD (7/251392 chromosomes). For these reasons, the c.14918C>T (p.Pro4973Leu) variant in the RYR1 gene is classified as likely pathogenic.

This study involves interpretation of variants in research participants for the purpose of population health screening. Participant phenotype was not available at the time of variant classification. Additional details can be found in publication PMID: 35346344, PMCID: PMC8962531

Fulgent Genetics
Classification: Pathogenic for Central core myopathy; Malignant hyperthermia, susceptibility to, 1; Congenital multicore myopathy with external ophthalmoplegia; King Denborough syndrome. Last evaluated: 2024-06-18. Review status: criteria provided, single submitter. Criteria: ACMG Guidelines, 2015. Collection method: clinical testing. Allele origin: germline. Not counted in ClinVar's aggregate classification.

Blueprint Genetics
Classification: Likely pathogenic for RYR1-related disorders. Last evaluated: 2024-05-14. Review status: criteria provided, single submitter. Criteria: ACMG Guidelines, 2015. Collection method: clinical testing. Allele origin: germline. Affected: yes. Observed: 2 variant alleles. Not counted in ClinVar's aggregate classification.

Women's Health and Genetics/Laboratory Corporation of America, LabCorp
Classification: Likely pathogenic for Malignant hyperthermia of anesthesia. Last evaluated: 2023-05-08. Review status: criteria provided, single submitter. Criteria: LabCorp Variant Classification Summary - May 2015. Collection method: clinical testing. Allele origin: germline. Not counted in ClinVar's aggregate classification.
Comment: Variant summary: RYR1 c.14918C>T (p.Pro4973Leu) results in a non-conservative amino acid change located in the Ryanodine/Inositol 1,4,5-trisphosphate receptor (IPR015925) of the encoded protein sequence. Five of five in-silico tools predict a damaging effect of the variant on protein function. The variant allele was found at a frequency of 2.8e-05 in 251392 control chromosomes. c.14918C>T has been reported in the literature in multiple individuals affected with Malignant Hyperthermia Susceptibility or Equivalent (Galli_2002, Monnier_2002, Monnier_2005, Tammaro_2011, Miller_2018). The variant was observed to segregate with Malignant Hyperthermia in several families (Galli2002, Monnier 2002), however one affected individual also carried a second variant in CACNA1S, segregating in two affected relatives without this variant (Monnier 2002). At least one publication reports experimental evidence evaluating an impact on protein function indicating that the variant results in reduced threshold for store overload-induced Ca2+ release (Chen_2008). The following publications have been ascertained in the context of this evaluation (PMID: 23558838, 28687594, 12208234, 30236257, 12411788, 16163667, 20681998). Multiple clinical diagnostic laboratories and a ClinGen expert panel have submitted clinical-significance assessments for this variant to ClinVar after 2014 citing overlapping evidence utilized in the context of this evaluation and classified the variant as Pathogenic/likely pathogenic (n=15) and VUS (n=1). Based on the evidence outlined above, the variant was classified as likely pathogenic.

Molecular Genetics, Royal Melbourne Hospital
Classification: Pathogenic for Malignant hyperthermia of anesthesia. Last evaluated: 2023-03-30. Review status: criteria provided, single submitter. Criteria: ACMG Guidelines, 2015. Collection method: clinical testing. Allele origin: germline. Affected: yes. Not counted in ClinVar's aggregate classification.
Comment: This sequence change is predicted to replace proline with leucine at codon 4973 of the RYR1 protein (p.(Pro4973Leu)). The proline residue is highly conserved (100 vertebrates, UCSC), and is located in exon 104 in the RYR1 channel and activation core. There is a moderate physicochemical difference between proline and leucine. The variant is present in a large population cohort at a frequency of 0.003% (rs146876145, 7/251,392 alleles, 0 homozygotes in gnomAD v2.1). The prevalence of the variant in individuals with malignant hyperthermia susceptibility (MHS) is significantly increased compared with the prevalence in the population (PMID: 30236257). It has been identified in multiple individuals with a clinical reaction consistent with malignant hyperthermia (MH) under anaesthesia confirmed by positive in vitro contracture test, and segregates with MH susceptibility in multiple families (PMID: 12208234, 12411788, 30236257). The variant demonstrates a gain of function effect on intracellular calcium release in well-established in vitro functional studies (PMID: 28687594). Multiple lines of computational evidence predict a deleterious effect for the missense substitution (5/5 algorithms). Based on the classification scheme RMH Modified ACMG Guidelines v1.3.2, this variant is classified as PATHOGENIC. Following criteria are met: PS3, PS4, PP1, PP3, PP4.

Laboratory for Molecular Medicine, Mass General Brigham Personalized Medicine
Classification: Likely pathogenic for Malignant hyperthermia of anesthesia. Last evaluated: 2022-11-03. Review status: criteria provided, single submitter. Criteria: ACMG Guidelines, 2015. Collection method: clinical testing. Allele origin: germline. Not counted in ClinVar's aggregate classification.
Comment: The p.Pro4973Leu variant in RYR1 has been reported in 4 heterozygous individuals with malignant hyperthermia susceptible or equivalent, 1 compound heterozygous individual with centronuclear myopathy, and 1 compound heterozygous individual with arthrogryposis multiplex congenita (Galli 2002 PMID: 12208234, Monnier 2002 PMID: 12411788, Monnier 2005 PMID: 16163667, Robinson 2006 PMID: 16917943, Carpenter 2009 PMID: 19825159, Brandom 2013 PMID: 23558838, Fattori 2015 PMID: 25957634, Brackmann 2018 PMID: 29169929, Miller 2018 PMID: 30236257). The variant segregated with disease in at least four affected relatives from at least two families, although one affected relative also carried a second variant, p.Arg1086His in CACNA1S, that segregated in two affected relatives without the p.Pro4973Leu variant in RYR1 (Galli 2002 PMID: 12208234, Monnier 2002 PMID: 12411788). This variant has been reported in ClinVar (Variation ID 133098). The p.Pro4973Leu variant has also been identified in 0.009% (3/34586) of Latino chromosomes by gnomAD. Computational prediction tools and conservation analysis suggest that the p.Pro4973Leu variant may impact the protein, though this information is not predictive enough to determine pathogenicity. In vitro functional studies assaying store overload-induced Ca2+ release (SOICR) from inducible expression of the RYR1 protein with the p.Pro4973Leu substitution in HEK293 cells support that the variant may impact protein function (Chen 2017 PMID: 28687594). Furthermore, this variant is located within one of the RYR1 regions that are considered critical functional domains. In summary, although additional studies are required to fully establish its clinical significance, this variant meets criteria to be classified as likely pathogenic for autosomal dominant malignant hyperthermia. ACMG/AMP criteria applied: PM2_Supporting, PP1, PP3, PS3_Supporting, PS4_Supporting, PM1.

CeGaT Center for Human Genetics Tuebingen
Classification: Likely pathogenic. Last evaluated: 2022-08-01. Review status: criteria provided, single submitter. Criteria: CeGaT Center For Human Genetics Tuebingen Variant Classification Criteria Version 2. Collection method: clinical testing. Allele origin: germline. Affected: yes. Observed: 2 variant alleles. Not counted in ClinVar's aggregate classification.
Comment: RYR1: PM1, PP1, PP3, PS3:Supporting, PS4:Supporting

Laboratory of Medical Genetics, National & Kapodistrian University of Athens
Classification: Pathogenic for Central core myopathy. Last evaluated: 2021-10-01. Review status: criteria provided, single submitter. Criteria: ACMG Guidelines, 2015. Collection method: clinical testing. Allele origin: unknown. Affected: yes. Not counted in ClinVar's aggregate classification.
Comment: PM2, PM3, PP2, PP3, PP5

Baylor Genetics
Classification: Likely pathogenic for Malignant hyperthermia, susceptibility to, 1. Last evaluated: 2021-09-01. Review status: criteria provided, single submitter. Criteria: ACMG Guidelines, 2015. Collection method: clinical testing. Allele origin: unknown. Not counted in ClinVar's aggregate classification.

Revvity Omics, Revvity
Classification: Likely pathogenic. Last evaluated: 2019-09-26. Review status: criteria provided, single submitter. Criteria: ACMG Guidelines, 2015. Collection method: clinical testing. Allele origin: germline. Not counted in ClinVar's aggregate classification.